The following is an entry in ClinVar:

ClinVar aggregate classification (germline): Uncertain significance (1 of 4 stars; one submission).

Submission:

GeneDx
Classification: Uncertain significance. Last evaluated: 2025-02-05. Review status: criteria provided, single submitter. Criteria: GeneDx Variant Classification Process June 2021. Collection method: clinical testing. Allele origin: germline. Affected: yes.
Comment: Not observed at significant frequency in large population cohorts (gnomAD); In silico analysis indicates that this missense variant does not alter protein structure/function; Has not been previously published as pathogenic or benign to our knowledge

NM_001375524.1(TRRAP):c.4184A>G (p.Asn1395Ser)

Gene: TRRAP (transformation/transcription domain associated protein; plus strand). Cytogenetic location: 7q22.1.
Variant type: single nucleotide variant.
Coding change: c.4184A>G on transcript NM_001375524.1 (MANE Select); coding-DNA position 4184, A replaced by G.
Protein change: p.Asn1395Ser; replaces asparagine 1395 with serine.
Molecular consequence: missense variant.
Genome position (GRCh38, 1-based): chr7:98,937,228, A>G. VCF-style: chr7-98937228-A-G. GRCh37 (hg19) VCF-style: chr7-98534851-A-G.
Other names: c.4184A>G, p.Asn1395Ser (NM_001244580.2, NM_003496.4); short protein forms N1395S.
Identifiers: ClinVar variation 4074426 (VCV004074426.1).